The following is an entry in ClinVar:

ClinVar aggregate classification (germline): Pathogenic (1 of 4 stars; one submission).

Conditions:
Early-infantile DEE. Also called: Early infantile epileptic encephalopathy; Ohtahara syndrome; Early infantile epileptic encephalopathy with suppression bursts. Identifiers: Orphanet 1934, MedGen C0393706, MONDO:0800491.

Submission:

Labcorp Genetics (formerly Invitae), Labcorp
Classification: Pathogenic for Early-infantile DEE. Last evaluated: 2022-03-25. Review status: criteria provided, single submitter. Criteria: Invitae Variant Classification Sherloc (09022015). Collection method: clinical testing. Allele origin: germline.
Comment: For these reasons, this variant has been classified as Pathogenic. This variant has not been reported in the literature in individuals affected with KCNQ2-related conditions. This variant is not present in population databases (gnomAD no frequency). This sequence change creates a premature translational stop signal (p.Tyr363*) in the KCNQ2 gene. It is expected to result in an absent or disrupted protein product. Loss-of-function variants in KCNQ2 are known to be pathogenic (PMID: 14534157, 23692823, 27779742).

Literature cited by the submitters: PubMed 14534157; PubMed 23692823; PubMed 27779742.

NM_172107.4(KCNQ2):c.1089del (p.Tyr362_Tyr363insTer)

Gene: KCNQ2 (potassium voltage-gated channel subfamily Q member 2; minus strand). Cytogenetic location: 20q13.33.
Variant type: Deletion.
Coding change: c.1089del on transcript NM_172107.4 (MANE Select); coding-DNA position 1089, one base deleted (C; older notation c.1089delC).
Protein change: p.Tyr362_Tyr363insTer.
Molecular consequence: nonsense.
Genome position (GRCh38, 1-based): chr20:63,433,838, G deleted on the plus strand (C on the coding strand, the reverse complement: KCNQ2 is on the minus strand). VCF-style (leftmost placement, unchanged base first): chr20-63433837-CG-C. GRCh37 (hg19) VCF-style: chr20-62065190-CG-C.
Other names: c.1089del, p.Tyr362_Tyr363insTer (NM_001382235.1, NM_004518.6, NM_172106.3 and 2 more transcripts).
Identifiers: ClinVar variation 2116822 (VCV002116822.4), dbSNP rs2516362777, ClinGen allele CA2580098410.